The following is an entry in ClinVar:

NM_000038.6(APC):c.479del (p.Ala160fs)

Gene: APC (APC regulator of Wnt signaling pathway; plus strand). Cytogenetic location: 5q22.2.
Variant type: Deletion.
Coding change: c.479del on transcript NM_000038.6 (MANE Select); coding-DNA position 479, one base deleted (C; older notation c.479delC).
Protein change: p.Ala160fs; shifts the reading frame from alanine 160.
Molecular consequence: frameshift variant. On other transcripts: 5 prime UTR variant (4), non-coding transcript variant (2).
Genome position (GRCh38, 1-based): chr5:112,775,685, C deleted. VCF-style (leftmost placement, unchanged base first): chr5-112775684-GC-G. GRCh37 (hg19) VCF-style: chr5-112111381-GC-G.
Other names: c.479del, p.Ala160fs (NM_001354895.2, NM_001354896.2, NM_001127510.3 and 16 more transcripts); c.509del, p.Ala170fs (NM_001127511.3, NM_001354897.2, NM_001354902.2 and 1 more transcripts); c.404del, p.Ala135fs (NM_001354898.2, NM_001354904.2, NM_001407451.1); c.302del, p.Ala101fs (NM_001354900.2, NM_001354901.2, NM_001354905.2 and 1 more transcripts); c.-557del (NM_001354906.2, NM_001407470.1, NM_001407471.1 and 1 more transcripts); short protein forms A101fs, A135fs, A170fs, A160fs.
Identifiers: ClinVar variation 2773996 (VCV002773996.2), dbSNP rs2532414213, ClinGen allele CA2697546423.

ClinVar aggregate classification (germline): Pathogenic (1 of 4 stars; one submission).

Conditions:
Hereditary cancer-predisposing syndrome. Also called: Hereditary neoplastic syndrome; Hereditary Cancer Syndrome; Neoplastic Syndromes, Hereditary; Tumor predisposition. Identifiers: Orphanet 140162, MedGen C0027672, MeSH D009386, MONDO:0015356.

Submission:

Color Diagnostics, LLC DBA Color Health
Classification: Pathogenic for Hereditary cancer-predisposing syndrome. Last evaluated: 2022-10-11. Review status: criteria provided, single submitter. Criteria: ACMG Guidelines, 2015. Collection method: clinical testing. Allele origin: germline.
Comment: This variant deletes 1 nucleotide in exon 5 of the APC gene, creating a frameshift and premature translation stop signal. This variant is expected to result in an absent or non-functional protein product. To our knowledge, this variant has not been reported in individuals affected with hereditary cancer in the literature. This variant has not been identified in the general population by the Genome Aggregation Database (gnomAD). Loss of APC function is a known mechanism of disease. Based on the available evidence, this variant is classified as Pathogenic.